The following is an entry in ClinVar:

ClinVar aggregate classification (germline): Likely benign (1 of 4 stars; one submission).

Submission:

CeGaT Center for Human Genetics Tuebingen
Classification: Likely benign. Last evaluated: 2025-12-01. Review status: criteria provided, single submitter. Criteria: CeGaT Center For Human Genetics Tuebingen Variant Classification Criteria Version 2. Collection method: clinical testing. Allele origin: germline. Affected: yes. Observed: 1 variant allele.
Comment: USP17L7: BP4, BS2

NM_001256869.2(USP17L7):c.1185T>C (p.Gly395=)

Genes: FAM66D (family with sequence similarity 66 member D), USP17L7 (ubiquitin specific peptidase 17 like family member 7; minus strand). Cytogenetic location: 8p23.1.
Variant type: single nucleotide variant.
Coding change: c.1185T>C on transcript NM_001256869.2 (MANE Select); coding-DNA position 1185, T replaced by C.
Protein change: p.Gly395=; no amino-acid change (glycine 395 retained).
Molecular consequence: synonymous variant.
Genome position (GRCh38, 1-based): chr8:12,132,825, A>G on the plus strand (T>C on the coding strand, the complement: USP17L7 is on the minus strand). VCF-style: chr8-12132825-A-G. GRCh37 (hg19) VCF-style: chr8-11990334-A-G.
Identifiers: ClinVar variation 4681336 (VCV004681336.5).
Genomic context (GRCh38, chr8:12,132,825, plus strand): 5'-GAGGCAAGGGTGGTCTCTCTTGAGCTCTCCTTGCGTTGCTGGCCTGTCTGTGTCTTCAGC[A>G]CCAAGGGCTCTTGGTTCCCTGCCTCTTGACACACTCTCACTGTGTCTTTCCCATTCACTC-3'
Protein context (NP_001243798.1, residues 385-405): VSRGREPRAL[Gly395=]AEDTDRPATQ